The following is an entry in ClinVar:

ClinVar aggregate classification (germline): Uncertain significance (1 of 4 stars; one submission).

Conditions:
Charcot-Marie-Tooth disease axonal type 2P. Also called: CHARCOT-MARIE-TOOTH DISEASE, AXONAL, TYPE 2G; CMT 2G; CHARCOT-MARIE-TOOTH NEUROPATHY, TYPE 2P; Charcot-Marie-Tooth Neuropathy Type 2G. Identifiers: Orphanet 300319, Orphanet 99941, MedGen C3280797, MONDO:0013753, OMIM 614436.

Allele frequency attached by ClinVar (database versions not stated): TOPMed 0.00001; gnomAD exomes 0.00003 and 0.00006; ExAC 0.00007; 1000 Genomes Project 30x 0.00016; 1000 Genomes Project 0.00020.

Submission:

Labcorp Genetics (formerly Invitae), Labcorp
Classification: Uncertain significance for Charcot-Marie-Tooth disease axonal type 2P. Last evaluated: 2024-08-01. Review status: criteria provided, single submitter. Criteria: Invitae Variant Classification Sherloc (09022015). Collection method: clinical testing. Allele origin: germline.
Comment: This sequence change replaces aspartic acid, which is acidic and polar, with asparagine, which is neutral and polar, at codon 35 of the LRSAM1 protein (p.Asp35Asn). This variant is present in population databases (rs551183702, gnomAD 0.03%). This variant has not been reported in the literature in individuals affected with LRSAM1-related conditions. ClinVar contains an entry for this variant (Variation ID: 408264). Advanced modeling of protein sequence and biophysical properties (such as structural, functional, and spatial information, amino acid conservation, physicochemical variation, residue mobility, and thermodynamic stability) performed at Invitae indicates that this missense variant is expected to disrupt LRSAM1 protein function with a positive predictive value of 80%. In summary, the available evidence is currently insufficient to determine the role of this variant in disease. Therefore, it has been classified as a Variant of Uncertain Significance.

NM_001005373.4(LRSAM1):c.103G>A (p.Asp35Asn)

Gene: LRSAM1 (leucine rich repeat and sterile alpha motif containing 1; plus strand). Cytogenetic location: 9q33.3.
Variant type: single nucleotide variant.
Coding change: c.103G>A on transcript NM_001005373.4 (MANE Select); coding-DNA position 103, G replaced by A.
Protein change: p.Asp35Asn; replaces aspartic acid 35 with asparagine.
Molecular consequence: missense variant. On other transcripts: 5 prime UTR variant (1), non-coding transcript variant (2).
Genome position (GRCh38, 1-based): chr9:127,455,028, G>A. VCF-style: chr9-127455028-G-A. GRCh37 (hg19) VCF-style: chr9-130217307-G-A.
Other names: c.103G>A, p.Asp35Asn (NM_001005374.4, NM_001190723.3, NM_001384142.1 and 2 more transcripts); c.-682G>A (NM_001384144.1); short protein forms D35N.
Identifiers: ClinVar variation 408264 (VCV000408264.9), dbSNP rs551183702, ClinGen allele CA5246379.